The following is an entry in ClinVar:

NM_000489.6(ATRX):c.829G>C (p.Val277Leu)

Gene: ATRX (ATRX chromatin remodeler; minus strand). Cytogenetic location: Xq21.1.
Variant type: single nucleotide variant.
Coding change: c.829G>C on transcript NM_000489.6 (MANE Select); coding-DNA position 829, G replaced by C.
Protein change: p.Val277Leu; replaces valine 277 with leucine.
Molecular consequence: missense variant.
Genome position (GRCh38, 1-based): chrX:77,684,427, C>G on the plus strand (G>C on the coding strand, the complement: ATRX is on the minus strand). VCF-style: chrX-77684427-C-G. GRCh37 (hg19) VCF-style: chrX-76939919-C-G.
Other names: c.715G>C, p.Val239Leu (NM_138270.5); c.829G>C (NM_000489.3); short protein forms V277L, V239L.
Identifiers: ClinVar variation 573611 (VCV000573611.8), dbSNP rs1569539465, ClinGen allele CA413720554.
Genomic context (GRCh38, chrX:77,684,427, plus strand): 5'-TCTTCTTATTTTGCTGCAACAACTGTTCTAAATTCTCAAATACGCTGTTACATGCAGTGA[C>G]CAAGTCCAACAAAGGCTCTGGGTGACAAATGTAGCAATACCATTGGTTGTTTTCATCCAT-3'
Protein context (NP_000480.3, residues 267-287): ICHPEPLLDL[Val277Leu]TACNSVFENL

ClinVar aggregate classification (germline): Conflicting classifications of pathogenicity. Review status: criteria provided, conflicting classifications (1 of 4 stars). 2 submissions from 2 submitters: Likely pathogenic (1); Uncertain significance (1). Last evaluated 2026-06-23.

Conditions:
Alpha thalassemia-X-linked intellectual disability syndrome (ATRX). Also called: ALPHA-THALASSEMIA/MENTAL RETARDATION SYNDROME, X-LINKED; ATR, NONDELETION TYPE; ALPHA-THALASSEMIA/IMPAIRED INTELLECTUAL DEVELOPMENT SYNDROME, X-LINKED; X-linked alpha-thalassemia-mental retardation syndrome; ATR-X syndrome; Alpha thalassemia mental retardation syndrome, nondeletion type, X-linked. Identifiers: Orphanet 847, MedGen C1845055, MONDO:0010519, OMIM 301040.

Submissions (2):

GeneDx
Classification: Likely pathogenic. Last evaluated: 2026-06-23. Review status: criteria provided, single submitter. Criteria: GeneDx Variant Classification Process June 2021. Collection method: clinical testing. Allele origin: germline.
Comment: Not observed at significant frequency in large population cohorts (gnomAD); In silico analysis supports that this missense variant does not alter protein structure/function; Has not been previously published as pathogenic or benign to our knowledge; This variant is associated with the following publications: (PMID: 18409179)

Labcorp Genetics (formerly Invitae), Labcorp
Classification: Uncertain significance for Alpha thalassemia-X-linked intellectual disability syndrome. Last evaluated: 2021-08-27. Review status: criteria provided, single submitter. Criteria: Invitae Variant Classification Sherloc (09022015). Collection method: clinical testing. Allele origin: germline.
Comment: This sequence change replaces valine with leucine at codon 277 of the ATRX protein (p.Val277Leu). The valine residue is highly conserved and there is a small physicochemical difference between valine and leucine. This variant is not present in population databases (ExAC no frequency). This variant has not been reported in the literature in individuals affected with ATRX-related conditions. Algorithms developed to predict the effect of missense changes on protein structure and function are either unavailable or do not agree on the potential impact of this missense change (SIFT: "Deleterious"; PolyPhen-2: "Probably Damaging"; Align-GVGD: "Class C0"). In summary, the available evidence is currently insufficient to determine the role of this variant in disease. Therefore, it has been classified as a Variant of Uncertain Significance.